The following is an entry in ClinVar:

NM_001278116.2(L1CAM):c.964C>T (p.Arg322Trp)

Gene: L1CAM (L1 cell adhesion molecule; minus strand). Cytogenetic location: Xq28.
Variant type: single nucleotide variant.
Coding change: c.964C>T on transcript NM_001278116.2 (MANE Select); coding-DNA position 964, C replaced by T.
Protein change: p.Arg322Trp; replaces arginine 322 with tryptophan.
Molecular consequence: missense variant.
Genome position (GRCh38, 1-based): chrX:153,870,083, G>A on the plus strand (C>T on the coding strand, the complement: L1CAM is on the minus strand). VCF-style: chrX-153870083-G-A. GRCh37 (hg19) VCF-style: chrX-153135538-G-A.
Other names: c.964C>T, p.Arg322Trp (NM_000425.5, NM_024003.3); c.949C>T, p.Arg317Trp (NM_001143963.2); c.964C>T (NM_000425.3); short protein forms R317W, R322W.
Identifiers: ClinVar variation 800200 (VCV000800200.36), dbSNP rs144692079, ClinGen allele CA10554463.

ClinVar aggregate classification (germline): Likely benign. Review status: criteria provided, multiple submitters, no conflicts (2 of 4 stars). 3 submissions from 3 submitters: Likely benign (3). Last evaluated 2026-01-26.

Conditions:
Inborn genetic diseases. Identifiers: MedGen C0950123, MeSH D030342.
Spastic paraplegia. Identifiers: MedGen C0037772, HP:0001258.

Allele frequency attached by ClinVar (database versions not stated): gnomAD exomes 0.00004 and 0.00011; ExAC 0.00009; 1000 Genomes Project 30x 0.00021; 1000 Genomes Project 0.00026; ESP Exome Variant Server 0.00028; TOPMed 0.00042; gnomAD 0.00048.
gnomAD v4.1: 96 of 1,210,406 alleles (0.0079%); highest among the groups gnomAD compares: African/African-American, 0.15%; no homozygotes.

Submissions (3):

Labcorp Genetics (formerly Invitae), Labcorp
Classification: Likely benign for Spastic paraplegia. Last evaluated: 2026-01-26. Review status: criteria provided, single submitter. Criteria: Invitae Variant Classification Sherloc (09022015). Collection method: clinical testing. Allele origin: germline.

CeGaT Center for Human Genetics Tuebingen
Classification: Likely benign. Last evaluated: 2026-01-01. Review status: criteria provided, single submitter. Criteria: CeGaT Center For Human Genetics Tuebingen Variant Classification Criteria Version 2. Collection method: clinical testing. Allele origin: germline. Affected: yes. Observed: 2 variant alleles.
Comment: L1CAM: BP4, BS2

Ambry Genetics
Classification: Likely benign for Inborn genetic diseases. Last evaluated: 2023-07-25. Review status: criteria provided, single submitter. Criteria: Ambry Variant Classification Scheme 2023. Collection method: clinical testing. Allele origin: germline.